The following is an entry in ClinVar:

NM_005609.4(PYGM):c.121G>A (p.Val41Ile)

Gene: PYGM (glycogen phosphorylase, muscle associated; minus strand). Cytogenetic location: 11q13.1.
Variant type: single nucleotide variant.
Coding change: c.121G>A on transcript NM_005609.4 (MANE Select); coding-DNA position 121, G replaced by A.
Protein change: p.Val41Ile; replaces valine 41 with isoleucine.
Molecular consequence: missense variant.
Genome position (GRCh38, 1-based): chr11:64,759,778, C>T on the plus strand (G>A on the coding strand, the complement: PYGM is on the minus strand). VCF-style: chr11-64759778-C-T. GRCh37 (hg19) VCF-style: chr11-64527250-C-T.
Other names: c.121G>A (NM_005609.2); c.121G>A, p.Val41Ile (NM_001164716.1); short protein forms V41I.
Identifiers: ClinVar variation 2144031 (VCV002144031.4), dbSNP rs764465584, ClinGen allele CA6080367.
Genomic context (GRCh38, chr11:64,759,778, plus strand): 5'-GCACGGTATGGGCCAGAGCAAAGTAGTAGTCTCGTGGGGTGGCCACATTGCGGTCCTTTA[C>T]GAGTGTGAAATGCAGGTGCCGGTTGAAGTTCTTTTTCAGCTCAGTCACGTTCTCCACGCC-3'
Protein context (NP_005600.1, residues 31-51): NFNRHLHFTL[Val41Ile]KDRNVATPRD

ClinVar aggregate classification (germline): Uncertain significance. Review status: criteria provided, multiple submitters, no conflicts (2 of 4 stars). 2 submissions from 2 submitters: Uncertain significance (2). Last evaluated 2022-05-03.

Conditions:
Glycogen storage disease, type V (GSD5). Also called: McArdle type glycogen storage disease; MCARDLE DISEASE; MUSCLE GLYCOGEN PHOSPHORYLASE DEFICIENCY; MYOPHOSPHORYLASE DEFICIENCY; PYGM DEFICIENCY. Identifiers: Orphanet 368, MedGen C0017924, MONDO:0009293, OMIM 232600.

Allele frequency attached by ClinVar (database versions not stated): gnomAD 0.00001; gnomAD exomes 0.00001; ExAC 0.00002; TOPMed 0.00005.

Submissions (2):

Labcorp Genetics (formerly Invitae), Labcorp
Classification: Uncertain significance for Glycogen storage disease, type V. Last evaluated: 2022-05-03. Review status: criteria provided, single submitter. Criteria: Invitae Variant Classification Sherloc (09022015). Collection method: clinical testing. Allele origin: germline.
Comment: This sequence change replaces valine, which is neutral and non-polar, with isoleucine, which is neutral and non-polar, at codon 41 of the PYGM protein (p.Val41Ile). This variant is present in population databases (rs764465584, gnomAD 0.009%). This variant has not been reported in the literature in individuals affected with PYGM-related conditions. Algorithms developed to predict the effect of missense changes on protein structure and function are either unavailable or do not agree on the potential impact of this missense change (SIFT: "Not Available"; PolyPhen-2: "Probably Damaging"; Align-GVGD: "Not Available"). In summary, the available evidence is currently insufficient to determine the role of this variant in disease. Therefore, it has been classified as a Variant of Uncertain Significance.

Revvity Omics, Revvity
Classification: Uncertain significance for Glycogen storage disease, type V. Last evaluated: 2019-05-23. Review status: criteria provided, single submitter. Criteria: ACMG Guidelines, 2015. Collection method: clinical testing. Allele origin: germline.